The following is an entry in ClinVar:

ClinVar aggregate classification (germline): Likely benign. Review status: criteria provided, single submitter (1 of 4 stars). 2 submissions from 2 submitters: Likely benign (1). 1 of the submissions does not count toward it. Last evaluated 2024-08-11.

Conditions:
PRR12-related disorder. Also called: PRR12-related condition.
Inborn genetic diseases. Identifiers: MedGen C0950123, MeSH D030342.

Allele frequency attached by ClinVar (database versions not stated): ExAC 0.00008.
gnomAD v4.1: 216 of 1,613,208 alleles (0.013%); highest among the groups gnomAD compares: Non-Finnish European, 0.017%; no homozygotes.

Submissions (2):

Ambry Genetics
Classification: Likely benign for Inborn genetic diseases. Last evaluated: 2024-08-11. Review status: criteria provided, single submitter. Criteria: Ambry Variant Classification Scheme 2023. Collection method: clinical testing. Allele origin: germline.

PreventionGenetics, part of Exact Sciences
Classification: Likely benign for PRR12-related condition. Last evaluated: 2023-12-21. Review status: no assertion criteria provided. Collection method: clinical testing. Allele origin: germline. Not counted in ClinVar's aggregate classification.
Comment: This variant is classified as likely benign based on ACMG/AMP sequence variant interpretation guidelines (Richards et al. 2015 PMID: 25741868, with internal and published modifications).

NM_020719.3(PRR12):c.3756C>G (p.Asn1252Lys)

Gene: PRR12 (proline rich 12; plus strand). Cytogenetic location: 19q13.33.
Variant type: single nucleotide variant.
Coding change: c.3756C>G on transcript NM_020719.3 (MANE Select); coding-DNA position 3756, C replaced by G.
Protein change: p.Asn1252Lys; replaces asparagine 1252 with lysine.
Molecular consequence: missense variant.
Genome position (GRCh38, 1-based): chr19:49,599,349, C>G. VCF-style: chr19-49599349-C-G. GRCh37 (hg19) VCF-style: chr19-50102606-C-G.
Other names: c.3756C>G (NM_020719.1); short protein forms N1252K.
Identifiers: ClinVar variation 3054312 (VCV003054312.3), dbSNP rs748375470, ClinGen allele CA9578351.
Genomic context (GRCh38, chr19:49,599,349, plus strand): 5'-CAAGGCTGGCGAGGGTCTGGGAACCTCATCGGGTGATGCCATATCAGGCACTGACCACAA[C>G]AGCCTGGACTCGAGCCTGACTCGGGAGAAGATCGAGGCCAAGATTAAGGAGGTGGAGGAG-3'
Protein context (NP_065770.1, residues 1242-1262): SGDAISGTDH[Asn1252Lys]SLDSSLTREK